The following is an entry in ClinVar:

ClinVar aggregate classification (germline): Uncertain significance. Review status: criteria provided, multiple submitters, no conflicts (2 of 4 stars). 2 submissions from 2 submitters: Uncertain significance (2). Last evaluated 2024-10-01.

Conditions:
Cardiovascular phenotype. Identifiers: MedGen CN230736.
Arrhythmogenic cardiomyopathy with wooly hair and keratoderma. Also called: Carvajal syndrome; Arrhythmogenic cardiomyopathy with woolly hair and keratoderma; PALMOPLANTAR KERATODERMA WITH LEFT VENTRICULAR CARDIOMYOPATHY AND WOOLLY HAIR; Dilated cardiomyopathy with woolly hair and keratoderma. Identifiers: Orphanet 65282, MedGen C1854063, MONDO:0011581, OMIM 605676.

Allele frequency attached by ClinVar (database versions not stated): ExAC 0.00001; TOPMed 0.00004; gnomAD 0.00005.
gnomAD v4.1: 11 of 1,613,990 alleles (0.00068%); highest among the groups gnomAD compares: African/African-American, 0.013%; no homozygotes.

Submissions (2):

All of Us Research Program, National Institutes of Health
Classification: Uncertain significance for Arrhythmogenic cardiomyopathy with wooly hair and keratoderma. Last evaluated: 2024-10-01. Review status: criteria provided, single submitter. Criteria: ACMG Guidelines, 2015. Collection method: clinical testing. Allele origin: germline. Inheritance: Autosomal dominant inheritance. Observed: 3 variant alleles, 3 heterozygotes.
Comment: This missense variant replaces serine with glycine at codon 1204 of the DSP protein. Computational prediction suggests that this variant may not impact protein structure and function (internally defined REVEL score threshold <= 0.5, PMID: 27666373). To our knowledge, functional studies have not been reported for this variant. This variant has not been reported in individuals affected with DSP-related disorders in the literature. This variant has been identified in 2/282482 chromosomes in the general population by the Genome Aggregation Database (gnomAD). The available evidence is insufficient to determine the role of this variant in disease conclusively. Therefore, this variant is classified as a Variant of Uncertain Significance.

This study involves interpretation of variants in research participants for the purpose of population health screening. Participant phenotype was not available at the time of variant classification. Additional details can be found in publication PMID: 35346344, PMCID: PMC8962531

Ambry Genetics
Classification: Uncertain significance for Cardiovascular phenotype. Last evaluated: 2023-08-11. Review status: criteria provided, single submitter. Criteria: Ambry Variant Classification Scheme 2023. Collection method: clinical testing. Allele origin: germline.
Comment: The p.S1204G variant (also known as c.3610A>G), located in coding exon 23 of the DSP gene, results from an A to G substitution at nucleotide position 3610. The serine at codon 1204 is replaced by glycine, an amino acid with similar properties. This amino acid position is conserved. In addition, the in silico prediction for this alteration is inconclusive. Since supporting evidence is limited at this time, the clinical significance of this alteration remains unclear.

NM_004415.4(DSP):c.3610A>G (p.Ser1204Gly)

Gene: DSP (desmoplakin; plus strand). Cytogenetic location: 6p24.3.
Variant type: single nucleotide variant.
Coding change: c.3610A>G on transcript NM_004415.4 (MANE Select); coding-DNA position 3610, A replaced by G.
Protein change: p.Ser1204Gly; replaces serine 1204 with glycine.
Molecular consequence: missense variant. On other transcripts: intron variant (1).
Genome position (GRCh38, 1-based): chr6:7,579,800, A>G. VCF-style: chr6-7579800-A-G. GRCh37 (hg19) VCF-style: chr6-7580033-A-G.
Other names: c.3610A>G, p.Ser1204Gly (NM_001319034.2); c.3582+28A>G (NM_001008844.3); short protein forms S1204G.
Identifiers: ClinVar variation 2624912 (VCV002624912.4), dbSNP rs781130870, ClinGen allele CA038520.